The following is an entry in ClinVar:

NM_004281.4(BAG3):c.284C>A (p.Pro95His)

Gene: BAG3 (BAG cochaperone 3; plus strand). Cytogenetic location: 10q26.11.
Variant type: single nucleotide variant.
Coding change: c.284C>A on transcript NM_004281.4 (MANE Select); coding-DNA position 284, C replaced by A.
Protein change: p.Pro95His; replaces proline 95 with histidine.
Molecular consequence: missense variant.
Genome position (GRCh38, 1-based): chr10:119,669,954, C>A. VCF-style: chr10-119669954-C-A. GRCh37 (hg19) VCF-style: chr10-121429466-C-A.
Other names: short protein forms P95H.
Identifiers: ClinVar variation 3342402 (VCV003342402.3).

ClinVar aggregate classification (germline): Uncertain significance. Review status: criteria provided, multiple submitters, no conflicts (2 of 4 stars). 2 submissions from 2 submitters: Uncertain significance (2). Last evaluated 2024-09-26.

Conditions:
Dilated cardiomyopathy 1HH (CMD1HH). Identifiers: Orphanet 154, MedGen C3151293, MONDO:0013479, OMIM 613881.
Myofibrillar myopathy 6. Identifiers: Orphanet 199340, MedGen C2751831, MONDO:0013061, OMIM 612954.

gnomAD v4.1: 3 of 1,614,234 alleles (0.00019%); highest among the groups gnomAD compares: Admixed American, 0.005%; no homozygotes.

Submissions (2):

Labcorp Genetics (formerly Invitae), Labcorp
Classification: Uncertain significance for Dilated cardiomyopathy 1HH; Myofibrillar myopathy 6. Last evaluated: 2024-09-26. Review status: criteria provided, single submitter. Criteria: Invitae Variant Classification Sherloc (09022015). Collection method: clinical testing. Allele origin: germline.
Comment: This sequence change replaces proline, which is neutral and non-polar, with histidine, which is basic and polar, at codon 95 of the BAG3 protein (p.Pro95His). This variant is present in population databases (no rsID available, gnomAD 0.006%). This variant has not been reported in the literature in individuals affected with BAG3-related conditions. Invitae Evidence Modeling of protein sequence and biophysical properties (such as structural, functional, and spatial information, amino acid conservation, physicochemical variation, residue mobility, and thermodynamic stability) has been performed for this missense variant. However, the output from this modeling did not meet the statistical confidence thresholds required to predict the impact of this variant on BAG3 protein function. In summary, the available evidence is currently insufficient to determine the role of this variant in disease. Therefore, it has been classified as a Variant of Uncertain Significance.

GeneDx
Classification: Uncertain significance. Last evaluated: 2023-12-22. Review status: criteria provided, single submitter. Criteria: GeneDx Variant Classification Process June 2021. Collection method: clinical testing. Allele origin: germline. Affected: yes.
Comment: Not observed at significant frequency in large population cohorts (gnomAD); In silico analysis supports that this missense variant has a deleterious effect on protein structure/function; Has not been previously published as pathogenic or benign to our knowledge; This variant is associated with the following publications: (PMID: 20001957)